The following is an entry in ClinVar:

ClinVar aggregate classification (germline): Likely benign. Review status: criteria provided, multiple submitters, no conflicts (2 of 4 stars). 3 submissions from 3 submitters: Likely benign (3). Last evaluated 2025-05-02.

Conditions:
Developmental and epileptic encephalopathy, 36 (DEE36). Also called: ALG13-CDG; Congenital disorder of glycosylation, type Is; Epileptic encephalopathy, early infantile, 36. Identifiers: Orphanet 324422, MedGen C4317295, MONDO:0010472, OMIM 300884.

Allele frequency attached by ClinVar (database versions not stated): gnomAD exomes below 0.00001; TOPMed below 0.00001; gnomAD 0.00001.
gnomAD v4.1: 3 of 1,136,370 alleles (0.00026%); highest among the groups gnomAD compares: Non-Finnish European, 0.00035%; no homozygotes.

Submissions (3):

Labcorp Genetics (formerly Invitae), Labcorp
Classification: Likely benign for Developmental and epileptic encephalopathy, 36. Last evaluated: 2025-05-02. Review status: criteria provided, single submitter. Criteria: Invitae Variant Classification Sherloc (09022015). Collection method: clinical testing. Allele origin: germline.

Blueprint Genetics
Classification: Likely benign. Last evaluated: 2024-07-10. Review status: criteria provided, single submitter. Criteria: ACMG Guidelines, 2015. Collection method: clinical testing. Allele origin: germline.

GeneDx
Classification: Likely benign. Last evaluated: 2016-08-05. Review status: criteria provided, single submitter. Criteria: GeneDx Variant Classification (06012015). Collection method: clinical testing. Allele origin: germline. Affected: yes.
Comment: This variant is considered likely benign or benign based on one or more of the following criteria: it is a conservative change, it occurs at a poorly conserved position in the protein, it is predicted to be benign by multiple in silico algorithms, and/or has population frequency not consistent with disease.

NM_001099922.3(ALG13):c.886-17A>G

Gene: ALG13 (ALG13 UDP-N-acetylglucosaminyltransferase subunit; plus strand). Cytogenetic location: Xq23.
Variant type: single nucleotide variant.
Coding change: c.886-17A>G on transcript NM_001099922.3 (MANE Select); 17 bases into the intron before coding-DNA position 886, A replaced by G.
Molecular consequence: intron variant.
Genome position (GRCh38, 1-based): chrX:111,712,467, A>G. VCF-style: chrX-111712467-A-G. GRCh37 (hg19) VCF-style: chrX-110955695-A-G.
Other names: c.574-17A>G (NM_001257237.2, NM_001324293.1, NM_001257234.2 and 1 more transcripts); c.652-17A>G (NM_001257231.2); c.886-17A>G (NM_001324292.2).
Identifiers: ClinVar variation 388267 (VCV000388267.10), dbSNP rs1057523046, ClinGen allele CA16608712.
Genomic context (GRCh38, chrX:111,712,467, plus strand): 5'-AAAATTTGTTGTGCTTGAAAAAACTACCTCCTAGCTACAGAATGTTTTTTAAAACTCAAT[A>G]CACTATTTATGTTTAGGAAAGTGCTGGCCAGCTGGAAATAAGAGCTCTTTCTCTAATTTA-3'